The following is an entry in ClinVar:

ClinVar aggregate classification (germline): Uncertain significance (1 of 4 stars; one submission).

Conditions:
Arrhythmogenic right ventricular dysplasia 9 (ARVD9). Also called: Arrhythmogenic Right Ventricular Dysplasia/Cardiomyopathy 9; ARRHYTHMOGENIC RIGHT VENTRICULAR DYSPLASIA, FAMILIAL, 9. Identifiers: MedGen C1836906, MONDO:0012180, OMIM 609040.

Submission:

Labcorp Genetics (formerly Invitae), Labcorp
Classification: Uncertain significance for Arrhythmogenic right ventricular dysplasia 9. Last evaluated: 2025-03-26. Review status: criteria provided, single submitter. Criteria: Invitae Variant Classification Sherloc (09022015). Collection method: clinical testing. Allele origin: germline.
Comment: This sequence change replaces valine, which is neutral and non-polar, with alanine, which is neutral and non-polar, at codon 558 of the PKP2 protein (p.Val558Ala). This variant is not present in population databases (gnomAD no frequency). This variant has not been reported in the literature in individuals affected with PKP2-related conditions. An algorithm developed to predict the effect of missense changes on protein structure and function outputs the following: PolyPhen-2: "Benign". The alanine amino acid residue is found in multiple mammalian species, which suggests that this missense change does not adversely affect protein function. In summary, the available evidence is currently insufficient to determine the role of this variant in disease. Therefore, it has been classified as a Variant of Uncertain Significance.

NM_001005242.3(PKP2):c.1541T>C (p.Val514Ala)

Gene: PKP2 (plakophilin 2; minus strand). Cytogenetic location: 12p11.21.
Variant type: single nucleotide variant.
Coding change: c.1541T>C on transcript NM_001005242.3 (MANE Select); coding-DNA position 1541, T replaced by C.
Protein change: p.Val514Ala; replaces valine 514 with alanine.
Molecular consequence: missense variant.
Genome position (GRCh38, 1-based): chr12:32,841,043, A>G on the plus strand (T>C on the coding strand, the complement: PKP2 is on the minus strand). VCF-style: chr12-32841043-A-G. GRCh37 (hg19) VCF-style: chr12-32993977-A-G.
Other names: c.1541T>C, p.Val514Ala (NM_001407155.1, NM_001407156.1, NM_001407161.1); c.1673T>C, p.Val558Ala (NM_001407157.1, NM_004572.4); c.1214T>C, p.Val405Ala (NM_001407158.1, NM_001407159.1, NM_001407160.1 and 1 more transcripts); short protein forms V405A, V514A, V558A.
Identifiers: ClinVar variation 4798582 (VCV004798582.1).